The following is an entry in ClinVar:

ClinVar aggregate classification (germline): Uncertain significance (1 of 4 stars; one submission).

gnomAD v4.1: 60 of 1,609,958 alleles (0.0037%); highest among the groups gnomAD compares: Non-Finnish European, 0.0049%; no homozygotes.

Submission:

Women's Health and Genetics/Laboratory Corporation of America, LabCorp
Classification: Uncertain significance. Last evaluated: 2025-07-24. Review status: criteria provided, single submitter. Criteria: LabCorp Variant Classification Summary - May 2015. Collection method: clinical testing. Allele origin: germline.
Comment: Variant summary: RPS23 c.-1G>A is located in the untranslated mRNA region upstream of the initiation codon. The variant allele was found at a frequency of 2.9e-05 in 237974 control chromosomes. The available data on variant occurrences in the general population are insufficient to allow any conclusion about variant significance. To our knowledge, no occurrence of c.-1G>A in individuals affected with Brachycephaly, Trichomegaly, And Developmental Delay and no experimental evidence demonstrating its impact on protein function have been reported. No submitters have cited clinical-significance assessments for this variant to ClinVar. Based on the evidence outlined above, the variant was classified as uncertain significance.

NM_001025.5(RPS23):c.-1G>A

Gene: RPS23 (ribosomal protein S23; minus strand). Cytogenetic location: 5q14.2.
Variant type: single nucleotide variant.
Coding change: c.-1G>A on transcript NM_001025.5 (MANE Select); 1 bases upstream of the start codon, G replaced by A.
Molecular consequence: 5 prime UTR variant.
Genome position (GRCh38, 1-based): chr5:82,278,324, C>T on the plus strand (G>A on the coding strand, the complement: RPS23 is on the minus strand). VCF-style: chr5-82278324-C-T. GRCh37 (hg19) VCF-style: chr5-81574143-C-T.
Identifiers: ClinVar variation 4526212 (VCV004526212.1).